The following is an entry in ClinVar:

NM_019074.4(DLL4):c.938G>A (p.Arg313His)

Gene: DLL4 (delta like canonical Notch ligand 4; plus strand). Cytogenetic location: 15q15.1.
Variant type: single nucleotide variant.
Coding change: c.938G>A on transcript NM_019074.4 (MANE Select); coding-DNA position 938, G replaced by A.
Protein change: p.Arg313His; replaces arginine 313 with histidine.
Molecular consequence: missense variant.
Genome position (GRCh38, 1-based): chr15:40,934,635, G>A. VCF-style: chr15-40934635-G-A. GRCh37 (hg19) VCF-style: chr15-41226833-G-A.
Other names: c.938G>A (NM_019074.3); short protein forms R313H.
Identifiers: ClinVar variation 1560240 (VCV001560240.13), dbSNP rs146665183, ClinGen allele CA7487808.

ClinVar aggregate classification (germline): Conflicting classifications of pathogenicity. Review status: criteria provided, conflicting classifications (1 of 4 stars). 5 submissions from 5 submitters: Uncertain significance (1); Likely benign (3). 1 of the submissions does not count toward it. Last evaluated 2026-01-19.

Conditions:
Inborn genetic diseases. Identifiers: MedGen C0950123, MeSH D030342.
DLL4-related disorder. Also called: DLL4-related condition.

Allele frequency attached by ClinVar (database versions not stated): ExAC 0.00045; gnomAD exomes 0.00047 and 0.00088; ESP Exome Variant Server 0.00054; TOPMed 0.00055; 1000 Genomes Project 0.00060; 1000 Genomes Project 30x 0.00062.
gnomAD v4.1: 1,400 of 1,613,904 alleles (0.087%); highest among the groups gnomAD compares: Non-Finnish European, 0.11%; no homozygotes.

Submissions (5):

Labcorp Genetics (formerly Invitae), Labcorp
Classification: Likely benign. Last evaluated: 2026-01-19. Review status: criteria provided, single submitter. Criteria: Invitae Variant Classification Sherloc (09022015). Collection method: clinical testing. Allele origin: germline.

Blueprint Genetics
Classification: Likely benign. Last evaluated: 2024-11-17. Review status: criteria provided, single submitter. Criteria: ACMG Guidelines, 2015. Collection method: clinical testing. Allele origin: germline.

Ambry Genetics
Classification: Uncertain significance for Inborn genetic diseases. Last evaluated: 2021-07-13. Review status: criteria provided, single submitter. Criteria: Ambry Variant Classification Scheme 2023. Collection method: clinical testing. Allele origin: germline.

Breakthrough Genomics
Classification: Likely benign. Review status: criteria provided, single submitter. Criteria: ACMG Guidelines, 2015. Collection method: not provided. Allele origin: germline. Inheritance: Autosomal dominant inheritance. Affected: yes.

PreventionGenetics, part of Exact Sciences
Classification: Likely benign for DLL4-related condition. Last evaluated: 2022-08-11. Review status: no assertion criteria provided. Collection method: clinical testing. Allele origin: germline. Not counted in ClinVar's aggregate classification.
Comment: This variant is classified as likely benign based on ACMG/AMP sequence variant interpretation guidelines (Richards et al. 2015 PMID: 25741868, with internal and published modifications).